The following is an entry in ClinVar:

NM_000465.4(BARD1):c.2204_2205insTA (p.Gln735fs)

Gene: BARD1 (BRCA1 associated RING domain 1; minus strand). Cytogenetic location: 2q35.
Variant type: Insertion.
Coding change: c.2204_2205insTA on transcript NM_000465.4 (MANE Select); coding-DNA positions 2204 to 2205, TA inserted.
Protein change: p.Gln735fs; shifts the reading frame from glutamine 735.
Molecular consequence: frameshift variant. On other transcripts: non-coding transcript variant (3).
Genome position: GRCh38 VCF-style: chr2-214728805-C-CTA. GRCh37 (hg19) VCF-style: chr2-215593529-C-CTA.
Other names: c.2147_2148insTA, p.Gln716fs (NM_001282543.2); c.851_852insTA, p.Gln284fs (NM_001282545.2); c.794_795insTA, p.Gln265fs (NM_001282548.2); c.665_666insTA, p.Gln222fs (NM_001282549.2); short protein forms Q222fs, Q265fs, Q284fs, Q716fs, Q735fs.
Identifiers: ClinVar variation 2583608 (VCV002583608.2), dbSNP rs2469269005, ClinGen allele CA2582342079.

ClinVar aggregate classification (germline): Pathogenic (1 of 4 stars; one submission).

Conditions:
Familial cancer of breast. Also called: Hereditary breast cancer; BREAST CANCER, FAMILIAL; hereditary breast carcinoma. Identifiers: Orphanet 227535, MedGen C0346153, MONDO:0016419, OMIM 114480. Disease mechanism: loss of function.

Submission:

Myriad Genetics, Inc.
Classification: Pathogenic for Familial cancer of breast. Last evaluated: 2023-05-25. Review status: criteria provided, single submitter. Criteria: Myriad Autosomal Dominant, Autosomal Recessive and X-Linked Classification Criteria (2023). Collection method: clinical testing. Allele origin: unknown.
Comment: This variant is considered pathogenic. This variant creates a frameshift predicted to result in premature protein truncation.